The following is an entry in ClinVar:

ClinVar aggregate classification (germline): Pathogenic (1 of 4 stars; one submission).

Submission:

Labcorp Genetics (formerly Invitae), Labcorp
Classification: Pathogenic. Last evaluated: 2025-01-15. Review status: criteria provided, single submitter. Criteria: Invitae Variant Classification Sherloc (09022015). Collection method: clinical testing. Allele origin: germline.
Comment: This sequence change creates a premature translational stop signal (p.Ile193Asnfs*4) in the C10orf11 gene. While this is not anticipated to result in nonsense mediated decay, it is expected to disrupt the last 6 amino acid(s) of the C10orf11 protein. This variant is not present in population databases (gnomAD no frequency). This variant has not been reported in the literature in individuals affected with C10orf11-related conditions. Experimental studies and prediction algorithms are not available or were not evaluated, and the functional significance of this variant is currently unknown. This variant disrupts a region of the C10orf11 protein in which other variant(s) (p.Arg194*) have been determined to be pathogenic (PMID: 23395477). This suggests that this is a clinically significant region of the protein, and that variants that disrupt it are likely to be disease-causing. For these reasons, this variant has been classified as Pathogenic.

Literature cited by the submitters: PubMed 23395477.

NM_001305581.2(LRMDA):c.661dup (p.Ile221fs)

Gene: LRMDA (leucine rich melanocyte differentiation associated; plus strand). Cytogenetic location: 10q22.3.
Variant type: Duplication.
Coding change: c.661dup on transcript NM_001305581.2 (MANE Select); coding-DNA position 661, one base duplicated (A; older notation c.661dupA).
Protein change: p.Ile221fs; shifts the reading frame from isoleucine 221.
Molecular consequence: frameshift variant. On other transcripts: non-coding transcript variant (1).
Genome position (GRCh38, 1-based): chr10:76,557,268, A duplicated. VCF-style (leftmost placement, unchanged base first): chr10-76557267-T-TA. GRCh37 (hg19) VCF-style: chr10-78317025-T-TA.
Other names: c.577dup, p.Ile193fs (NM_032024.5); short protein forms I221fs, I193fs.
Identifiers: ClinVar variation 3688733 (VCV003688733.2).